The following is an entry in ClinVar:

NM_007294.4(BRCA1):c.4485-8C>A

Gene: BRCA1 (BRCA1 DNA repair associated; minus strand). Cytogenetic location: 17q21.31.
Variant type: single nucleotide variant.
Coding change: c.4485-8C>A on transcript NM_007294.4 (MANE Select); 8 bases into the intron before coding-DNA position 4485, C replaced by A.
Molecular consequence: intron variant.
Genome position (GRCh38, 1-based): chr17:43,074,529, G>T on the plus strand (C>A on the coding strand, the complement: BRCA1 is on the minus strand). VCF-style: chr17-43074529-G-T. GRCh37 (hg19) VCF-style: chr17-41226546-G-T.
Other names: c.1173-8C>A (NM_001407979.1, NM_001407982.1, NM_001407980.1 and 12 more transcripts); c.1176-8C>A (NM_001407977.1, NM_001407976.1, NM_001407974.1 and 3 more transcripts); c.4479-8C>A (NM_001407642.1, NM_001407634.1, NM_001407632.1 and 14 more transcripts); c.4482-8C>A (NM_001407625.1, NM_001407619.1, NM_001407610.1 and 17 more transcripts); c.4485-8C>A (NM_001407684.1, NM_001407594.1, NM_001407593.1 and 8 more transcripts); c.4548-8C>A (NM_001407583.1, NM_001407587.1, NM_001407585.1 and 1 more transcripts); c.4344-8C>A (NM_001407724.1, NM_001407697.1, NM_001407728.1 and 13 more transcripts); c.4338-8C>A (NM_001407838.1, NM_001407848.1, NM_001407839.1 and 12 more transcripts); and 71 more.
Identifiers: ClinVar variation 508746 (VCV000508746.17), dbSNP rs397507234, ClinGen allele CA658798845.

ClinVar aggregate classification (germline): Conflicting classifications of pathogenicity. Review status: criteria provided, conflicting classifications (1 of 4 stars). 4 submissions from 4 submitters: Uncertain significance (2); Likely benign (2). Last evaluated 2025-05-05.

Conditions:
Hereditary breast ovarian cancer syndrome. Also called: Hereditary breast and ovarian cancer syndrome; Breast and ovarian cancer; BRCA1- and BRCA2-Associated Hereditary Breast and Ovarian Cancer; Hereditary breast and ovarian cancer syndrome (HBOC); Hereditary breast and/or ovarian cancer syndrome; Hereditary breast and ovarian cancer. Identifiers: Orphanet 145, MedGen C0677776, MeSH D061325, MONDO:0003582. Disease mechanism: loss of function.
Breast and/or ovarian cancer. Identifiers: MedGen CN221562.
Hereditary cancer-predisposing syndrome. Also called: Hereditary neoplastic syndrome; Hereditary Cancer Syndrome; Neoplastic Syndromes, Hereditary; Tumor predisposition. Identifiers: Orphanet 140162, MedGen C0027672, MeSH D009386, MONDO:0015356.

gnomAD v4.1: 1 of 1,611,890 alleles (0.000062%); highest among the groups gnomAD compares: Non-Finnish European, 0.000085%; no homozygotes.

Submissions (5):

Labcorp Genetics (formerly Invitae), Labcorp
Classification: Likely benign for Hereditary breast ovarian cancer syndrome. Last evaluated: 2025-05-05. Review status: criteria provided, single submitter. Criteria: Invitae Variant Classification Sherloc (09022015). Collection method: clinical testing. Allele origin: germline.

CHEO Genetics Diagnostic Laboratory, Children's Hospital of Eastern Ontario
Classification: Uncertain significance for Breast and/or ovarian cancer. Last evaluated: 2022-04-14. Review status: criteria provided, single submitter. Criteria: ACMG Guidelines, 2015. Collection method: clinical testing. Allele origin: germline.

Color Diagnostics, LLC DBA Color Health
Classification: Uncertain significance for Hereditary cancer-predisposing syndrome. Last evaluated: 2019-04-23. Review status: criteria provided, single submitter. Criteria: ACMG Guidelines, 2015. Collection method: clinical testing. Allele origin: germline.

GeneDx
Classification: Likely benign. Last evaluated: 2017-04-04. Review status: criteria provided, single submitter. Criteria: GeneDx Variant Classification (06012015). Collection method: clinical testing. Allele origin: germline. Affected: yes.
Comment: This variant is considered likely benign or benign based on one or more of the following criteria: it is a conservative change, it occurs at a poorly conserved position in the protein, it is predicted to be benign by multiple in silico algorithms, and/or has population frequency not consistent with disease.

Dr. Peter K. Rogan Lab, Western University
No classification provided (evidence only). Condition: Uterine corpus endometrial carcinoma. Review status: no classification provided. Collection method: in vitro. Allele origin: not applicable. Functional consequence: retained intron. Not counted in ClinVar's aggregate classification.